The following is an entry in ClinVar:

NM_006739.4(MCM5):c.294+6T>C

Gene: MCM5 (minichromosome maintenance complex component 5; plus strand). Cytogenetic location: 22q12.3.
Variant type: single nucleotide variant.
Coding change: c.294+6T>C on transcript NM_006739.4 (MANE Select); 6 bases into the intron after coding-DNA position 294, T replaced by C.
Molecular consequence: intron variant.
Genome position (GRCh38, 1-based): chr22:35,403,339, T>C. VCF-style: chr22-35403339-T-C. GRCh37 (hg19) VCF-style: chr22-35799332-T-C.
Identifiers: ClinVar variation 3692561 (VCV003692561.2).

ClinVar aggregate classification (germline): Uncertain significance (1 of 4 stars; one submission).

Submission:

Labcorp Genetics (formerly Invitae), Labcorp
Classification: Uncertain significance. Last evaluated: 2024-06-19. Review status: criteria provided, single submitter. Criteria: Invitae Variant Classification Sherloc (09022015). Collection method: clinical testing. Allele origin: germline.
Comment: This sequence change falls in intron 3 of the MCM5 gene. It does not directly change the encoded amino acid sequence of the MCM5 protein. It affects a nucleotide within the consensus splice site. This variant is not present in population databases (gnomAD no frequency). This variant has not been reported in the literature in individuals affected with MCM5-related conditions. Variants that disrupt the consensus splice site are a relatively common cause of aberrant splicing (PMID: 17576681, 9536098). Algorithms developed to predict the effect of sequence changes on RNA splicing suggest that this variant is not likely to affect RNA splicing. In summary, the available evidence is currently insufficient to determine the role of this variant in disease. Therefore, it has been classified as a Variant of Uncertain Significance.

Literature cited by the submitters: PubMed 17576681; PubMed 9536098.